The following is an entry in ClinVar:

NM_138704.4(NSMCE3):c.889C>T (p.Pro297Ser)

Genes: ENTREP2 (endosomal transmembrane epsin interactor 2; minus strand), NSMCE3 (NSE3 homolog, SMC5-SMC6 complex component; minus strand). Cytogenetic location: 15q13.1.
Variant type: single nucleotide variant.
Coding change: c.889C>T on transcript NM_138704.4 (MANE Select); coding-DNA position 889, C replaced by T.
Protein change: p.Pro297Ser; replaces proline 297 with serine.
Molecular consequence: missense variant. On other transcripts: intron variant (5).
Genome position (GRCh38, 1-based): chr15:29,268,817, G>A on the plus strand (C>T on the coding strand, the complement: NSMCE3 is on the minus strand). VCF-style: chr15-29268817-G-A. GRCh37 (hg19) VCF-style: chr15-29561021-G-A.
Other names: c.-12-16339C>T (NM_001387217.1, NM_001387215.1, NM_001387216.1); c.277-16339C>T (NM_001387214.1, NM_015307.2); short protein forms P297S.
Identifiers: ClinVar variation 2138579 (VCV002138579.1), dbSNP rs776476342, ClinGen allele CA7446038.

ClinVar aggregate classification (germline): Uncertain significance (1 of 4 stars; one submission).

Allele frequency attached by ClinVar (database versions not stated): gnomAD 0.00003; TOPMed 0.00003.
gnomAD v4.1: 82 of 1,612,070 alleles (0.0051%); highest among the groups gnomAD compares: Non-Finnish European, 0.0069%; no homozygotes.

Submission:

Labcorp Genetics (formerly Invitae), Labcorp
Classification: Uncertain significance. Last evaluated: 2022-03-05. Review status: criteria provided, single submitter. Criteria: Invitae Variant Classification Sherloc (09022015). Collection method: clinical testing. Allele origin: germline.
Comment: This sequence change replaces proline, which is neutral and non-polar, with serine, which is neutral and polar, at codon 297 of the NSMCE3 protein (p.Pro297Ser). This variant is present in population databases (rs776476342, gnomAD 0.006%). This variant has not been reported in the literature in individuals affected with NSMCE3-related conditions. Algorithms developed to predict the effect of missense changes on protein structure and function (SIFT, PolyPhen-2, Align-GVGD) all suggest that this variant is likely to be tolerated. In summary, the available evidence is currently insufficient to determine the role of this variant in disease. Therefore, it has been classified as a Variant of Uncertain Significance.